The following is an entry in ClinVar:

NM_001852.4(COL9A2):c.763G>A (p.Val255Met)

Gene: COL9A2 (collagen type IX alpha 2 chain; minus strand). Cytogenetic location: 1p34.2.
Variant type: single nucleotide variant.
Coding change: c.763G>A on transcript NM_001852.4 (MANE Select); coding-DNA position 763, G replaced by A.
Protein change: p.Val255Met; replaces valine 255 with methionine.
Molecular consequence: missense variant.
Genome position (GRCh38, 1-based): chr1:40,310,140, C>T on the plus strand (G>A on the coding strand, the complement: COL9A2 is on the minus strand). VCF-style: chr1-40310140-C-T. GRCh37 (hg19) VCF-style: chr1-40775812-C-T.
Other names: short protein forms V255M.
Identifiers: ClinVar variation 1347163 (VCV001347163.8), dbSNP rs747788076, ClinGen allele CA791761.

ClinVar aggregate classification (germline): Uncertain significance (1 of 4 stars; one submission).

Allele frequency attached by ClinVar (database versions not stated): gnomAD exomes below 0.00001; ExAC 0.00001.
gnomAD v4.1: 1 of 1,614,000 alleles (0.000062%); highest among the groups gnomAD compares: South Asian, 0.0011%; no homozygotes.

Submission:

Labcorp Genetics (formerly Invitae), Labcorp
Classification: Uncertain significance. Last evaluated: 2021-02-27. Review status: criteria provided, single submitter. Criteria: Invitae Variant Classification Sherloc (09022015). Collection method: clinical testing. Allele origin: germline.
Comment: In summary, the available evidence is currently insufficient to determine the role of this variant in disease. Therefore, it has been classified as a Variant of Uncertain Significance. Advanced modeling of protein sequence and biophysical properties (such as structural, functional, and spatial information, amino acid conservation, physicochemical variation, residue mobility, and thermodynamic stability) performed at Invitae indicates that this missense variant is not expected to disrupt COL9A2 protein function. This variant has not been reported in the literature in individuals with COL9A2-related conditions. This variant is present in population databases (rs747788076, ExAC 0.006%). This sequence change replaces valine with methionine at codon 255 of the COL9A2 protein (p.Val255Met). The valine residue is moderately conserved and there is a small physicochemical difference between valine and methionine.